The following is an entry in ClinVar:

NM_017875.4(SLC25A38):c.475_486delinsAAAGGAACCAA (p.Glu159fs)

Gene: SLC25A38 (solute carrier family 25 member 38; plus strand). Cytogenetic location: 3p22.1.
Variant type: Indel.
Coding change: c.475_486delinsAAAGGAACCAA on transcript NM_017875.4 (MANE Select); coding-DNA positions 475 to 486, GAGAGTATCTAC replaced by AAAGGAACCAA.
Protein change: p.Glu159fs; shifts the reading frame from glutamic acid 159.
Molecular consequence: frameshift variant.
Genome position (GRCh38, 1-based): chr3:39,391,871-39,391,882, GAGAGTATCTAC replaced by AAAGGAACCAA. VCF-style: chr3-39391871-GAGAGTATCTAC-AAAGGAACCAA. GRCh37 (hg19) VCF-style: chr3-39433362-GAGAGTATCTAC-AAAGGAACCAA.
Other names: c.475_486delinsAAAGGAACCAA, p.Glu159fs (NM_001354798.2); short protein forms E159fs.
Identifiers: ClinVar variation 1204562 (VCV001204562.3), dbSNP rs2125580378, ClinGen allele CA2499216771.

ClinVar aggregate classification (germline): Pathogenic (1 of 4 stars; one submission).

Submission:

GeneDx
Classification: Pathogenic. Last evaluated: 2019-03-27. Review status: criteria provided, single submitter. Criteria: GeneDx Variant Classification Process June 2021. Collection method: clinical testing. Allele origin: germline. Affected: yes.
Comment: Frameshift variant predicted to result in protein truncation or nonsense mediated decay in a gene for which loss-of-function is a known mechanism of disease; Not observed in large population cohorts (Lek et al., 2016); Has not been previously reported as pathogenic or benign to our knowledge